The following is an entry in ClinVar:

ClinVar aggregate classification (germline): Uncertain significance. Review status: criteria provided, multiple submitters, no conflicts (2 of 4 stars). 4 submissions from 4 submitters: Uncertain significance (4). Last evaluated 2025-02-27.

Conditions:
Inborn genetic diseases. Identifiers: MedGen C0950123, MeSH D030342.

Allele frequency attached by ClinVar (database versions not stated): gnomAD exomes below 0.00001; ExAC 0.00001; gnomAD 0.00001; TOPMed 0.00001.
gnomAD v4.1: 10 of 1,614,006 alleles (0.00062%); highest among the groups gnomAD compares: Non-Finnish European, 0.00076%; no homozygotes.

Submissions (4):

Women's Health and Genetics/Laboratory Corporation of America, LabCorp
Classification: Uncertain significance. Last evaluated: 2025-02-27. Review status: criteria provided, single submitter. Criteria: LabCorp Variant Classification Summary - May 2015. Collection method: clinical testing. Allele origin: germline.
Comment: Variant summary: ASXL1 c.4308C>G (p.Ile1436Met) results in a conservative amino acid change in the encoded protein sequence. Three of five in-silico tools predict a benign effect of the variant on protein function. The variant allele was found at a frequency of 4e-06 in 251478 control chromosomes. The available data on variant occurrences in the general population are insufficient to allow any conclusion about variant significance. To our knowledge, no occurrence of c.4308C>G in individuals affected with Bohring-Opitz Syndrome and no experimental evidence demonstrating its impact on protein function have been reported. ClinVar contains an entry for this variant (Variation ID: 2442602). Based on the evidence outlined above, the variant was classified as uncertain significance.

Ambry Genetics
Classification: Uncertain significance for Inborn genetic diseases. Last evaluated: 2024-12-15. Review status: criteria provided, single submitter. Criteria: Ambry Variant Classification Scheme 2023. Collection method: clinical testing. Allele origin: germline.
Comment: The p.I1436M variant (also known as c.4308C>G), located in coding exon 13 of the ASXL1 gene, results from a C to G substitution at nucleotide position 4308. The isoleucine at codon 1436 is replaced by methionine, an amino acid with highly similar properties. This amino acid position is conserved. In addition, this alteration is predicted to be tolerated by in silico analysis. Based on the available evidence, the clinical significance of this variant remains unclear.

Labcorp Genetics (formerly Invitae), Labcorp
Classification: Uncertain significance. Last evaluated: 2023-02-16. Review status: criteria provided, single submitter. Criteria: Invitae Variant Classification Sherloc (09022015). Collection method: clinical testing. Allele origin: germline.
Comment: In summary, the available evidence is currently insufficient to determine the role of this variant in disease. Therefore, it has been classified as a Variant of Uncertain Significance. An algorithm developed to predict the effect of missense changes on protein structure and function (PolyPhen-2) suggests that this variant is likely to be disruptive. This variant has not been reported in the literature in individuals affected with ASXL1-related conditions. This variant is present in population databases (rs748596785, gnomAD 0.0009%). This sequence change replaces isoleucine, which is neutral and non-polar, with methionine, which is neutral and non-polar, at codon 1436 of the ASXL1 protein (p.Ile1436Met).

GeneDx
Classification: Uncertain significance. Last evaluated: 2022-09-01. Review status: criteria provided, single submitter. Criteria: GeneDx Variant Classification Process June 2021. Collection method: clinical testing. Allele origin: germline. Affected: yes.
Comment: In silico analysis supports that this missense variant does not alter protein structure/function; Has not been previously published as pathogenic or benign to our knowledge

NM_015338.6(ASXL1):c.4308C>G (p.Ile1436Met)

Gene: ASXL1 (ASXL transcriptional regulator 1; plus strand). Cytogenetic location: 20q11.21.
Variant type: single nucleotide variant.
Coding change: c.4308C>G on transcript NM_015338.6 (MANE Select); coding-DNA position 4308, C replaced by G.
Protein change: p.Ile1436Met; replaces isoleucine 1436 with methionine.
Molecular consequence: missense variant.
Genome position (GRCh38, 1-based): chr20:32,437,020, C>G. VCF-style: chr20-32437020-C-G. GRCh37 (hg19) VCF-style: chr20-31024823-C-G.
Other names: c.4125C>G, p.Ile1375Met (NM_001363734.1); short protein forms I1375M, I1436M.
Identifiers: ClinVar variation 2442602 (VCV002442602.6), dbSNP rs748596785, ClinGen allele CA9809009.